The following is an entry in ClinVar:

ClinVar aggregate classification (germline): Benign/Likely benign. Review status: criteria provided, multiple submitters, no conflicts (2 of 4 stars). 6 submissions from 6 submitters: Benign (3); Likely benign (3). Last evaluated 2026-01-28.

Conditions:
Autosomal dominant cerebellar ataxia. Also called: Spinocerebellar Ataxia, Dominant. Identifiers: Orphanet 99, MedGen C4087347, MONDO:0020380.

Allele frequency attached by ClinVar (database versions not stated): gnomAD exomes 0.00040 and 0.00118; ExAC 0.00139; ESP Exome Variant Server 0.00454; gnomAD 0.00458 and 0.00496; 1000 Genomes Project 0.00479; TOPMed 0.00489; 1000 Genomes Project 30x 0.00562.
gnomAD v4.1: 1,261 of 1,516,414 alleles (0.083%); highest among the groups gnomAD compares: African/African-American, 1.6%; 8 homozygotes.

Submissions (6):

Labcorp Genetics (formerly Invitae), Labcorp
Classification: Benign. Last evaluated: 2026-01-28. Review status: criteria provided, single submitter. Criteria: Invitae Variant Classification Sherloc (09022015). Collection method: clinical testing. Allele origin: germline.

Blueprint Genetics
Classification: Likely benign. Last evaluated: 2024-08-28. Review status: criteria provided, single submitter. Criteria: ACMG Guidelines, 2015. Collection method: clinical testing. Allele origin: germline.

Athena Diagnostics
Classification: Benign. Last evaluated: 2024-04-26. Review status: criteria provided, single submitter. Criteria: Athena Diagnostics Criteria. Collection method: clinical testing. Allele origin: unknown.

GeneDx
Classification: Likely benign. Last evaluated: 2019-07-28. Review status: criteria provided, single submitter. Criteria: GeneDx Variant Classification Process June 2021. Collection method: clinical testing. Allele origin: germline. Affected: yes.

Illumina Laboratory Services, Illumina
Classification: Benign for Spinocerebellar Ataxia, Dominant. Last evaluated: 2018-01-13. Review status: criteria provided, single submitter. Criteria: ICSL Variant Classification Criteria 13 December 2019. Collection method: clinical testing. Allele origin: germline.
Comment: This variant was observed in the ICSL laboratory as part of a predisposition screen in an ostensibly healthy population. It had not been previously curated by ICSL or reported in the Human Gene Mutation Database (HGMD: prior to June 1st, 2018), and was therefore a candidate for classification through an automated scoring system. Utilizing variant allele frequency, disease prevalence and penetrance estimates, and inheritance mode, an automated score was calculated to assess if this variant is too frequent to cause the disease. Based on the score and internal cut-off values, a variant classified as benign is not then subjected to further curation. The score for this variant resulted in a classification of benign for this disease.

Breakthrough Genomics
Classification: Likely benign. Review status: criteria provided, single submitter. Criteria: ACMG Guidelines, 2015. Collection method: not provided. Allele origin: germline. Inheritance: Autosomal dominant inheritance. Affected: yes.

NM_001378452.1(ITPR1):c.6510+7T>C

Gene: ITPR1 (inositol 1,4,5-trisphosphate receptor type 1; plus strand). Cytogenetic location: 3p26.1.
Variant type: single nucleotide variant.
Coding change: c.6510+7T>C on transcript NM_001378452.1 (MANE Select); 7 bases into the intron after coding-DNA position 6510, T replaced by C.
Molecular consequence: intron variant.
Genome position (GRCh38, 1-based): chr3:4,782,748, T>C. VCF-style: chr3-4782748-T-C. GRCh37 (hg19) VCF-style: chr3-4824432-T-C.
Other names: c.6366+7T>C (NM_001099952.4); c.6465+7T>C (NM_001168272.2); c.6321+7T>C (NM_002222.7).
Identifiers: ClinVar variation 345755 (VCV000345755.19), dbSNP rs115430385, ClinGen allele CA2232610.